The following is an entry in ClinVar:

NM_000138.5(FBN1):c.3590A>T (p.Asp1197Val)

Gene: FBN1 (fibrillin 1; minus strand). Cytogenetic location: 15q21.1.
Variant type: single nucleotide variant.
Coding change: c.3590A>T on transcript NM_000138.5 (MANE Select); coding-DNA position 3590, A replaced by T.
Protein change: p.Asp1197Val; replaces aspartic acid 1197 with valine.
Molecular consequence: missense variant.
Genome position (GRCh38, 1-based): chr15:48,485,496, T>A on the plus strand (A>T on the coding strand, the complement: FBN1 is on the minus strand). VCF-style: chr15-48485496-T-A. GRCh37 (hg19) VCF-style: chr15-48777693-T-A.
Other names: short protein forms D1197V.
Identifiers: ClinVar variation 639698 (VCV000639698.8), dbSNP rs112025387, ClinGen allele CA392324747.

ClinVar aggregate classification (germline): Uncertain significance (1 of 4 stars; one submission).

Conditions:
Familial thoracic aortic aneurysm and aortic dissection (TAAD). Also called: Thoracic aortic aneurysms and dissections. Identifiers: Orphanet 91387, MedGen C4707243, MONDO:0019625.
Marfan syndrome (MFS). Also called: FBN1-Related Marfan Syndrome; Marfan syndrome type 1; Marfan's syndrome; Marfan syndrome, classic; MARFAN SYNDROME, TYPE I. Identifiers: Orphanet 284963, Orphanet 558, MedGen C0024796, MONDO:0007947, OMIM 154700.

Submission:

Labcorp Genetics (formerly Invitae), Labcorp
Classification: Uncertain significance for Marfan syndrome; Familial thoracic aortic aneurysm and aortic dissection. Last evaluated: 2018-12-27. Review status: criteria provided, single submitter. Criteria: Invitae Variant Classification Sherloc (09022015). Collection method: clinical testing. Allele origin: germline.
Comment: This sequence change replaces aspartic acid with valine at codon 1197 of the FBN1 protein (p.Asp1197Val). The aspartic acid residue is highly conserved and there is a large physicochemical difference between aspartic acid and valine. This variant is not present in population databases (ExAC no frequency). Algorithms developed to predict the effect of missense changes on protein structure and function (SIFT, PolyPhen-2, Align-GVGD) all suggest that this variant is likely to be disruptive, but these predictions have not been confirmed by published functional studies and their clinical significance is uncertain. The observation of one or more missense substitutions at this codon (p.Asp1197Val and p.Asp1197His) in affected individuals suggests that this may be a clinically significant residue (PMID: 19293843, Invitae). In summary, the available evidence is currently insufficient to determine the role of this variant in disease. Therefore, it has been classified as a Variant of Uncertain Significance.

Literature cited by the submitters: PubMed 19293843.